The following is an entry in ClinVar:

ClinVar aggregate classification (germline): Uncertain significance (1 of 4 stars; one submission).

Conditions:
Muscular dystrophy-dystroglycanopathy (congenital with impaired intellectual development), type B, 2. Also called: Muscular dystrophy-dystroglycanopathy (congenital with intellectual disability), type B2; MUSCULAR DYSTROPHY, CONGENITAL, POMT2-RELATED. Identifiers: MedGen C3150416, MONDO:0013160, OMIM 613156.
Autosomal recessive limb-girdle muscular dystrophy type 2N. Also called: MUSCULAR DYSTROPHY-DYSTROGLYCANOPATHY, LIMB-GIRDLE, POMT2-RELATED; Muscular dystrophy-dystroglycanopathy (limb-girdle), type C, 2. Identifiers: Orphanet 206559, MedGen C3150418, MONDO:0013162, OMIM 613158.
Muscular dystrophy-dystroglycanopathy (congenital with brain and eye anomalies), type A2. Also called: MUSCULAR DYSTROPHY-DYSTROGLYCANOPATHY (CONGENITAL WITH BRAIN AND EYE ANOMALIES), TYPE A, 2; WALKER-WARBURG SYNDROME OR MUSCLE-EYE-BRAIN DISEASE, POMT2-RELATED. Identifiers: Orphanet 588, Orphanet 899, MedGen C3150411, MONDO:0013154, OMIM 613150.

Allele frequency attached by ClinVar (database versions not stated): gnomAD 0.00001; ExAC 0.00001; gnomAD exomes below 0.00001.
gnomAD v4.1: 10 of 1,593,500 alleles (0.00063%); highest among the groups gnomAD compares: Non-Finnish European, 0.00068%; no homozygotes.

Submission:

Labcorp Genetics (formerly Invitae), Labcorp
Classification: Uncertain significance for Muscular dystrophy-dystroglycanopathy (congenital with impaired intellectual development), type B, 2; Muscular dystrophy-dystroglycanopathy (congenital with brain and eye anomalies), type A2; Autosomal recessive limb-girdle muscular dystrophy type 2N. Last evaluated: 2022-02-17. Review status: criteria provided, single submitter. Criteria: Invitae Variant Classification Sherloc (09022015). Collection method: clinical testing. Allele origin: germline.
Comment: This sequence change replaces glutamic acid, which is acidic and polar, with lysine, which is basic and polar, at codon 13 of the POMT2 protein (p.Glu13Lys). This variant is present in population databases (rs747244194, gnomAD 0.001%). This variant has not been reported in the literature in individuals affected with POMT2-related conditions. Algorithms developed to predict the effect of missense changes on protein structure and function (SIFT, PolyPhen-2, Align-GVGD) all suggest that this variant is likely to be tolerated. In summary, the available evidence is currently insufficient to determine the role of this variant in disease. Therefore, it has been classified as a Variant of Uncertain Significance.

NM_013382.7(POMT2):c.37G>A (p.Glu13Lys)

Gene: POMT2 (protein O-mannosyltransferase 2; minus strand). Cytogenetic location: 14q24.3.
Variant type: single nucleotide variant.
Coding change: c.37G>A on transcript NM_013382.7 (MANE Select); coding-DNA position 37, G replaced by A.
Protein change: p.Glu13Lys; replaces glutamic acid 13 with lysine.
Molecular consequence: missense variant.
Genome position (GRCh38, 1-based): chr14:77,320,645, C>T on the plus strand (G>A on the coding strand, the complement: POMT2 is on the minus strand). VCF-style: chr14-77320645-C-T. GRCh37 (hg19) VCF-style: chr14-77786988-C-T.
Other names: short protein forms E13K.
Identifiers: ClinVar variation 1466674 (VCV001466674.3), dbSNP rs747244194, ClinGen allele CA7286298.